The following is an entry in ClinVar:

NM_014321.4(ORC6):c.695A>C (p.Tyr232Ser)

Gene: ORC6 (origin recognition complex subunit 6; plus strand). Cytogenetic location: 16q11.2.
Variant type: single nucleotide variant.
Coding change: c.695A>C on transcript NM_014321.4 (MANE Select); coding-DNA position 695, A replaced by C.
Protein change: p.Tyr232Ser; replaces tyrosine 232 with serine.
Molecular consequence: missense variant. On other transcripts: non-coding transcript variant (1).
Genome position (GRCh38, 1-based): chr16:46,697,521, A>C. VCF-style: chr16-46697521-A-C. GRCh37 (hg19) VCF-style: chr16-46731433-A-C.
Other names: short protein forms Y232S.
Identifiers: ClinVar variation 30656 (VCV000030656.3), dbSNP rs387906969, ClinGen allele CA129387.
Genomic context (GRCh38, chr16:46,697,521, plus strand): 5'-TGGAGAAGGTAGAGGAGATGCCACATAAACCACAGAAAGATGAAGATCTGACACAGGATT[A>C]TGAAGAATGGAAAAGAAAAATTTTGGAAAATGCTGCCAGTGCTCAAAAGGCTACAGCAGA-3'
Protein context (NP_055136.1, residues 222-242): PQKDEDLTQD[Tyr232Ser]EEWKRKILEN

ClinVar aggregate classification (germline): Pathogenic. Review status: criteria provided, single submitter (1 of 4 stars). 2 submissions from 2 submitters: Pathogenic (1). 1 of the submissions does not count toward it.

Conditions:
Meier-Gorlin syndrome 3 (MGORS3). Identifiers: Orphanet 2554, MedGen C3151113, MONDO:0013430, OMIM 613803.

Submissions (2):

Bicknell laboratory, University of Otago
Classification: Pathogenic for Meier-Gorlin syndrome 3. Review status: criteria provided, single submitter. Criteria: ACMG Guidelines, 2015. Collection method: research. Allele origin: inherited. Affected: yes.
Comment: Occurred as compound het with c.257_258del

OMIM
Classification: Pathogenic for MEIER-GORLIN SYNDROME 3. Last evaluated: 2011-02-27. Review status: no assertion criteria provided. Collection method: literature only. Allele origin: germline. Not counted in ClinVar's aggregate classification.

Literature cited by the submitters: PubMed 21358632 (cited by Bicknell laboratory, University of Otago and OMIM).